The following is an entry in ClinVar:

ClinVar aggregate classification (germline): Likely benign (1 of 4 stars; one submission).

Submission:

CeGaT Center for Human Genetics Tuebingen
Classification: Likely benign. Last evaluated: 2026-08-01. Review status: criteria provided, single submitter. Criteria: CeGaT Center For Human Genetics Tuebingen Variant Classification Criteria Version 2. Collection method: clinical testing. Allele origin: germline. Affected: yes. Observed: 6 variant alleles.
Comment: BTBD17: PM2:Supporting, BP4, BP7

NM_001080466.2(BTBD17):c.1137T>A (p.Thr379=)

Gene: BTBD17 (BTB domain containing 17; minus strand). Cytogenetic location: 17q25.1.
Variant type: single nucleotide variant.
Coding change: c.1137T>A on transcript NM_001080466.2 (MANE Select); coding-DNA position 1137, T replaced by A.
Protein change: p.Thr379=; no amino-acid change (threonine 379 retained).
Molecular consequence: synonymous variant.
Genome position (GRCh38, 1-based): chr17:74,356,957, A>T on the plus strand (T>A on the coding strand, the complement: BTBD17 is on the minus strand). VCF-style: chr17-74356957-A-T. GRCh37 (hg19) VCF-style: chr17-72353096-A-T.
Identifiers: ClinVar variation 2648205 (VCV002648205.24), dbSNP rs2054896310, ClinGen allele CA502029950.